The following is an entry in ClinVar:

ClinVar aggregate classification (germline): Uncertain significance (1 of 4 stars; one submission).

Conditions:
Gastrointestinal stromal tumor. Also called: Gastrointestinal stromal tumor, somatic; Gastrointestinal stroma tumor. Identifiers: Orphanet 44890, MedGen C0238198, MeSH D046152, MONDO:0011719, OMIM 606764, HP:0100723.

Submission:

Labcorp Genetics (formerly Invitae), Labcorp
Classification: Uncertain significance for Gastrointestinal stromal tumor. Last evaluated: 2024-11-27. Review status: criteria provided, single submitter. Criteria: Invitae Variant Classification Sherloc (09022015). Collection method: clinical testing. Allele origin: germline.
Comment: This sequence change replaces valine, which is neutral and non-polar, with isoleucine, which is neutral and non-polar, at codon 620 of the KIT protein (p.Val620Ile). This variant is not present in population databases (gnomAD no frequency). This missense change has been observed in individual(s) with piebaldism (internal data). An algorithm developed to predict the effect of missense changes on protein structure and function (PolyPhen-2) suggests that this variant is likely to be disruptive. In summary, the available evidence is currently insufficient to determine the role of this variant in disease. Therefore, it has been classified as a Variant of Uncertain Significance.

NM_000222.3(KIT):c.1858G>A (p.Val620Ile)

Gene: KIT (KIT proto-oncogene, receptor tyrosine kinase; plus strand). Cytogenetic location: 4q12.
Variant type: single nucleotide variant.
Coding change: c.1858G>A on transcript NM_000222.3 (MANE Select); coding-DNA position 1858, G replaced by A.
Protein change: p.Val620Ile; replaces valine 620 with isoleucine.
Molecular consequence: missense variant.
Genome position (GRCh38, 1-based): chr4:54,727,906, G>A. VCF-style: chr4-54727906-G-A. GRCh37 (hg19) VCF-style: chr4-55594072-G-A.
Other names: c.1846G>A, p.Val616Ile (NM_001093772.2, NM_001385286.1); c.1861G>A, p.Val621Ile (NM_001385284.1, NM_001385290.1); c.1858G>A, p.Val620Ile (NM_001385285.1); c.1849G>A, p.Val617Ile (NM_001385288.1, NM_001385292.1); short protein forms V617I, V620I, V616I, V621I.
Identifiers: ClinVar variation 3726169 (VCV003726169.2).